The following is an entry in ClinVar:

ClinVar aggregate classification (germline): Uncertain significance. Review status: criteria provided, multiple submitters, no conflicts (2 of 4 stars). 4 submissions from 4 submitters: Uncertain significance (4). Last evaluated 2024-06-03.

Conditions:
Retinitis pigmentosa 84 (RP84). Identifiers: MedGen C4748725, MONDO:0032604, OMIM 618220.

Allele frequency attached by ClinVar (database versions not stated): ExAC 0.00001; gnomAD exomes 0.00002 and 0.00005; gnomAD 0.00003; TOPMed 0.00008; 1000 Genomes Project 0.00020; 1000 Genomes Project 30x 0.00031.

Submissions (4):

Ambry Genetics
Classification: Uncertain significance. Last evaluated: 2024-06-03. Review status: criteria provided, single submitter. Criteria: Ambry Variant Classification Scheme 2023. Collection method: clinical testing. Allele origin: germline.

Blueprint Genetics
Classification: Uncertain significance. Last evaluated: 2022-09-08. Review status: criteria provided, single submitter. Criteria: ACMG Guidelines, 2015. Collection method: clinical testing. Allele origin: germline.

Labcorp Genetics (formerly Invitae), Labcorp
Classification: Uncertain significance. Last evaluated: 2022-07-10. Review status: criteria provided, single submitter. Criteria: Invitae Variant Classification Sherloc (09022015). Collection method: clinical testing. Allele origin: germline.
Comment: This sequence change replaces arginine, which is basic and polar, with glutamine, which is neutral and polar, at codon 944 of the DHX38 protein (p.Arg944Gln). This variant is present in population databases (rs543465915, gnomAD 0.04%). This variant has not been reported in the literature in individuals affected with DHX38-related conditions. ClinVar contains an entry for this variant (Variation ID: 842571). Algorithms developed to predict the effect of missense changes on protein structure and function (SIFT, PolyPhen-2, Align-GVGD) all suggest that this variant is likely to be disruptive. Algorithms developed to predict the effect of sequence changes on RNA splicing suggest that this variant may create or strengthen a splice site. In summary, the available evidence is currently insufficient to determine the role of this variant in disease. Therefore, it has been classified as a Variant of Uncertain Significance.

Fulgent Genetics
Classification: Uncertain significance for Retinitis pigmentosa 84. Last evaluated: 2021-09-20. Review status: criteria provided, single submitter. Criteria: ACMG Guidelines, 2015. Collection method: clinical testing. Allele origin: unknown.

NM_014003.4(DHX38):c.2831G>A (p.Arg944Gln)

Genes: DHX38 (DEAH-box helicase 38; plus strand), LOC126862391 (CDK7 strongly-dependent group 2 enhancer GRCh37_chr16:72141414-72142613; plus strand). Cytogenetic location: 16q22.2.
Variant type: single nucleotide variant.
Coding change: c.2831G>A on transcript NM_014003.4 (MANE Select); coding-DNA position 2831, G replaced by A.
Protein change: p.Arg944Gln; replaces arginine 944 with glutamine.
Molecular consequence: missense variant.
Genome position (GRCh38, 1-based): chr16:72,107,666, G>A. VCF-style: chr16-72107666-G-A. GRCh37 (hg19) VCF-style: chr16-72141565-G-A.
Other names: short protein forms R944Q.
Identifiers: ClinVar variation 842571 (VCV000842571.8), dbSNP rs543465915, ClinGen allele CA8160787.
Genomic context (GRCh38, chr16:72,107,666, plus strand): 5'-CTGTCCCGTCAAATATCCGGGTTTGCTCATCTCTCCTAGGTGGTCTGACCTCTACCGGGC[G>A]GCTGATGGTGGAGTTCCCGCTGGACCCTGCCCTGTCCAAGATGCTCATCGTGTCCTGTGA-3'
Protein context (NP_054722.2, residues 934-954): DNTGGLTSTG[Arg944Gln]LMVEFPLDPA